The following is an entry in ClinVar:

NM_000448.3(RAG1):c.1661A>T (p.Asp554Val)

Gene: RAG1 (recombination activating 1; plus strand). Cytogenetic location: 11p12.
Variant type: single nucleotide variant.
Coding change: c.1661A>T on transcript NM_000448.3 (MANE Select); coding-DNA position 1661, A replaced by T.
Protein change: p.Asp554Val; replaces aspartic acid 554 with valine.
Molecular consequence: missense variant.
Genome position (GRCh38, 1-based): chr11:36,574,965, A>T. VCF-style: chr11-36574965-A-T. GRCh37 (hg19) VCF-style: chr11-36596515-A-T.
Other names: c.1661A>T, p.Asp554Val (NM_001377277.1, NM_001377278.1, NM_001377279.1 and 1 more transcripts); c.1661A>T (NM_000448.2); short protein forms D554V.
Identifiers: ClinVar variation 1062512 (VCV001062512.10), dbSNP rs1850817619, ClinGen allele CA380153012.

ClinVar aggregate classification (germline): Uncertain significance. Review status: criteria provided, multiple submitters, no conflicts (2 of 4 stars). 2 submissions from 2 submitters: Uncertain significance (2). Last evaluated 2025-03-18.

Conditions:
Inborn genetic diseases. Identifiers: MedGen C0950123, MeSH D030342.
Combined immunodeficiency with skin granulomas. Identifiers: Orphanet 157949, MedGen C2673536, MONDO:0009306, OMIM 233650.
Severe combined immunodeficiency, autosomal recessive, T cell-negative, B cell-negative, NK cell-positive. Also called: Severe combined immunodeficiency due to complete RAG1/2 deficiency; SCID, T CELL-NEGATIVE, B CELL-NEGATIVE, NK CELL-POSITIVE; SCID, AR, T-cell negative, B-cell negative, NK cell-positive. Identifiers: Orphanet 331206, MedGen C1832322, MONDO:0011086, OMIM 601457.

Submissions (2):

Ambry Genetics
Classification: Uncertain significance for Inborn genetic diseases. Last evaluated: 2025-03-18. Review status: criteria provided, single submitter. Criteria: Ambry Variant Classification Scheme 2023. Collection method: clinical testing. Allele origin: germline.

Labcorp Genetics (formerly Invitae), Labcorp
Classification: Uncertain significance for Combined immunodeficiency with skin granulomas; Severe combined immunodeficiency, autosomal recessive, T cell-negative, B cell-negative, NK cell-positive. Last evaluated: 2020-05-26. Review status: criteria provided, single submitter. Criteria: Invitae Variant Classification Sherloc (09022015). Collection method: clinical testing. Allele origin: germline.
Comment: In summary, the available evidence is currently insufficient to determine the role of this variant in disease. Therefore, it has been classified as a Variant of Uncertain Significance. Algorithms developed to predict the effect of missense changes on protein structure and function are either unavailable or do not agree on the potential impact of this missense change (SIFT: "Deleterious"; PolyPhen-2: "Probably Damaging"; Align-GVGD: "Class C0"). This variant has not been reported in the literature in individuals with RAG1-related conditions. This variant is not present in population databases (ExAC no frequency). This sequence change replaces aspartic acid with valine at codon 554 of the RAG1 protein (p.Asp554Val). The aspartic acid residue is moderately conserved and there is a large physicochemical difference between aspartic acid and valine.